The following is an entry in ClinVar:

ClinVar aggregate classification (germline): Uncertain significance (1 of 4 stars; one submission).

Allele frequency attached by ClinVar (database versions not stated): ESP Exome Variant Server 0.00008; TOPMed 0.00009; gnomAD 0.00011 and 0.00013.

Submission:

Labcorp Genetics (formerly Invitae), Labcorp
Classification: Uncertain significance. Last evaluated: 2025-04-03. Review status: criteria provided, single submitter. Criteria: Invitae Variant Classification Sherloc (09022015). Collection method: clinical testing. Allele origin: germline.
Comment: This sequence change replaces serine, which is neutral and polar, with asparagine, which is neutral and polar, at codon 302 of the ATRN protein (p.Ser302Asn). This variant is present in population databases (rs376268737, gnomAD 0.04%). This variant has not been reported in the literature in individuals affected with ATRN-related conditions. ClinVar contains an entry for this variant (Variation ID: 1429768). An algorithm developed to predict the effect of missense changes on protein structure and function (PolyPhen-2) suggests that this variant is likely to be tolerated. In summary, the available evidence is currently insufficient to determine the role of this variant in disease. Therefore, it has been classified as a Variant of Uncertain Significance.

NM_139321.3(ATRN):c.905G>A (p.Ser302Asn)

Gene: ATRN (attractin; plus strand). Cytogenetic location: 20p13.
Variant type: single nucleotide variant.
Coding change: c.905G>A on transcript NM_139321.3 (MANE Select); coding-DNA position 905, G replaced by A.
Protein change: p.Ser302Asn; replaces serine 302 with asparagine.
Molecular consequence: missense variant.
Genome position (GRCh38, 1-based): chr20:3,547,451, G>A. VCF-style: chr20-3547451-G-A. GRCh37 (hg19) VCF-style: chr20-3528098-G-A.
Other names: c.557G>A, p.Ser186Asn (NM_001207047.3); c.905G>A, p.Ser302Asn (NM_001323332.2, NM_139322.4); short protein forms S186N, S302N.
Identifiers: ClinVar variation 1429768 (VCV001429768.6), dbSNP rs376268737, ClinGen allele CA9743920.